The following is an entry in ClinVar:

ClinVar aggregate classification (germline): Likely benign (1 of 4 stars; one submission).

Allele frequency attached by ClinVar (database versions not stated): 1000 Genomes Project 0.00040; 1000 Genomes Project 30x 0.00047; TOPMed 0.00262; gnomAD 0.00280; ExAC 0.00289; gnomAD exomes 0.00326; ESP Exome Variant Server 0.00369.
gnomAD v4.1: 5,172 of 1,613,906 alleles (0.32%); highest among the groups gnomAD compares: Non-Finnish European, 0.39%; 14 homozygotes.

Submission:

CeGaT Center for Human Genetics Tuebingen
Classification: Likely benign. Last evaluated: 2023-08-01. Review status: criteria provided, single submitter. Criteria: CeGaT Center For Human Genetics Tuebingen Variant Classification Criteria Version 2. Collection method: clinical testing. Allele origin: germline. Affected: yes. Observed: 4 variant alleles.
Comment: URI1: BP4, BP7, BS2

NM_003796.3(URI1):c.771G>A (p.Ala257=)

Gene: URI1 (URI1 prefoldin like chaperone; plus strand). Cytogenetic location: 19q12.
Variant type: single nucleotide variant.
Coding change: c.771G>A on transcript NM_003796.3 (MANE Select); coding-DNA position 771, G replaced by A.
Protein change: p.Ala257=; no amino-acid change (alanine 257 retained).
Molecular consequence: synonymous variant. On other transcripts: non-coding transcript variant (1).
Genome position (GRCh38, 1-based): chr19:30,009,089, G>A. VCF-style: chr19-30009089-G-A. GRCh37 (hg19) VCF-style: chr19-30499996-G-A.
Other names: c.717G>A, p.Ala239= (NM_001252641.2).
Identifiers: ClinVar variation 2649670 (VCV002649670.24), dbSNP rs142906381, ClinGen allele CA9352819.
Genomic context (GRCh38, chr19:30,009,089, plus strand): 5'-TGGAGAAGATACGACATCTTCTGAAGAGGAAAAGGAAGATCGTAACACAAATGTGAATGC[G>A]ATGCATCAAGTAACAGACTCTCATACTCCTTGTCATAAGGATGTTGCAAGTTCAGAACCA-3'
Protein context (NP_003787.2, residues 247-267): EKEDRNTNVN[Ala257=]MHQVTDSHTP